The following is an entry in ClinVar:

NM_024675.4(PALB2):c.1190C>T (p.Thr397Ile)

Gene: PALB2 (partner and localizer of BRCA2; minus strand). Cytogenetic location: 16p12.2.
Variant type: single nucleotide variant.
Coding change: c.1190C>T on transcript NM_024675.4 (MANE Select); coding-DNA position 1190, C replaced by T.
Protein change: p.Thr397Ile; replaces threonine 397 with isoleucine.
Molecular consequence: missense variant.
Genome position (GRCh38, 1-based): chr16:23,635,356, G>A on the plus strand (C>T on the coding strand, the complement: PALB2 is on the minus strand). VCF-style: chr16-23635356-G-A. GRCh37 (hg19) VCF-style: chr16-23646677-G-A.
Other names: short protein forms T397I.
Identifiers: ClinVar variation 140850 (VCV000140850.8), dbSNP rs587781319, ClinGen allele CA163734.
Genomic context (GRCh38, chr16:23,635,356, plus strand): 5'-GACATGCTTCGTGTTGTTCTAACATAATATTCTGCAGGAAACAGAAGGCCTTCAGGCACT[G>A]TGCAAGAATGTTTTTCTGCAGAAAGAGGAGAGGTTGCTTCCAGGCTAAGACTCTTAGGTT-3'
Protein context (NP_078951.2, residues 387-407): SPLSAEKHSC[Thr397Ile]VPEGLLFPAE

ClinVar aggregate classification (germline): Uncertain significance. Review status: criteria provided, multiple submitters, no conflicts (2 of 4 stars). 3 submissions from 3 submitters: Uncertain significance (3). Last evaluated 2026-04-28.

Conditions:
Hereditary cancer-predisposing syndrome. Also called: Neoplastic Syndromes, Hereditary; Tumor predisposition; Hereditary neoplastic syndrome; Hereditary Cancer Syndrome. Identifiers: Orphanet 140162, MedGen C0027672, MeSH D009386, MONDO:0015356.
Familial cancer of breast. Also called: BREAST CANCER, FAMILIAL; hereditary breast carcinoma; Hereditary breast cancer. Identifiers: Orphanet 227535, MedGen C0346153, MONDO:0016419, OMIM 114480. Disease mechanism: loss of function.

Allele frequency attached by ClinVar (database versions not stated): gnomAD exomes below 0.00001.
gnomAD v4.1: 1 of 1,613,980 alleles (0.000062%); highest among the groups gnomAD compares: Non-Finnish European, 0.000085%; no homozygotes.

Submissions (3):

Ambry Genetics
Classification: Uncertain significance for Hereditary cancer-predisposing syndrome. Last evaluated: 2026-04-28. Review status: criteria provided, single submitter. Criteria: Ambry Variant Classification Scheme 2023. Collection method: clinical testing. Allele origin: germline.
Comment: The p.T397I variant (also known as c.1190C>T), located in coding exon 4 of the PALB2 gene, results from a C to T substitution at nucleotide position 1190. The threonine at codon 397 is replaced by isoleucine, an amino acid with similar properties. This alteration was found to be functionally normal in a homology-directed DNA repair (HDR) assay (Wiltshire T et al. Genet Med, 2020 Mar;22:622-632). This amino acid position is highly conserved in available vertebrate species. In addition, the in silico prediction for this alteration is inconclusive. Based on the available evidence, the clinical significance of this variant remains unclear.

Color Diagnostics, LLC DBA Color Health
Classification: Uncertain significance for Hereditary cancer-predisposing syndrome. Last evaluated: 2025-11-25. Review status: criteria provided, single submitter. Criteria: ACMG Guidelines, 2015. Collection method: clinical testing. Allele origin: germline.
Comment: This missense variant replaces threonine with isoleucine at codon 397 of the PALB2 protein. This is a missense variant in a gene for which primarily truncating variants are known to cause disease. A functional study has reported that this variant does not impact PALB2 in a homology-directed DNA repair assay (PMID: 31636395). This variant has not been reported in individuals affected with PALB2-related disorders in the literature. This variant has been identified in 1/1613980 chromosomes in the general population by the Genome Aggregation Database (gnomAD). The available evidence is insufficient to determine the role of this variant in disease conclusively. Therefore, this variant is classified as a Variant of Uncertain Significance.

Labcorp Genetics (formerly Invitae), Labcorp
Classification: Uncertain significance for Familial cancer of breast. Last evaluated: 2025-11-20. Review status: criteria provided, single submitter. Criteria: Invitae Variant Classification Sherloc (09022015). Collection method: clinical testing. Allele origin: germline.
Comment: This sequence change replaces threonine, which is neutral and polar, with isoleucine, which is neutral and non-polar, at codon 397 of the PALB2 protein (p.Thr397Ile). This variant is not present in population databases (gnomAD no frequency). This variant has not been reported in the literature in individuals affected with PALB2-related conditions. ClinVar contains an entry for this variant (Variation ID: 140850). Invitae Evidence Modeling of protein sequence and biophysical properties (such as structural, functional, and spatial information, amino acid conservation, physicochemical variation, residue mobility, and thermodynamic stability) indicates that this missense variant is expected to disrupt PALB2 protein function with a positive predictive value of 80%. In summary, the available evidence is currently insufficient to determine the role of this variant in disease. Therefore, it has been classified as a Variant of Uncertain Significance.

Literature cited by the submitters: PubMed 31636395 (cited by Ambry Genetics and Color Diagnostics, LLC DBA Color Health).